The following is an entry in ClinVar:

ClinVar aggregate classification (germline): Uncertain significance. Review status: criteria provided, multiple submitters, no conflicts (2 of 4 stars). 2 submissions from 2 submitters: Uncertain significance (2). Last evaluated 2025-06-20.

Conditions:
PLEKHG2-related disorder. Also called: PLEKHG2-related condition.

Allele frequency attached by ClinVar (database versions not stated): gnomAD 0.00011; TOPMed 0.00014; ESP Exome Variant Server 0.00015; gnomAD exomes 0.00018; ExAC 0.00019.
gnomAD v4.1: 273 of 1,614,012 alleles (0.017%); highest among the groups gnomAD compares: Non-Finnish European, 0.022%; no homozygotes.

Submissions (2):

PreventionGenetics, part of Exact Sciences
Classification: Uncertain significance for PLEKHG2-related condition. Last evaluated: 2025-06-20. Review status: criteria provided, single submitter. Criteria: ACMG Guidelines, 2015. Collection method: clinical testing. Allele origin: germline.
Comment: The PLEKHG2 c.3005C>T variant is predicted to result in the amino acid substitution p.Thr1002Ile. To our knowledge, this variant has not been reported in the literature. This variant is reported in 0.031% of alleles in individuals of European (Non-Finnish) descent in gnomAD. At this time, the clinical significance of this variant is uncertain due to the absence of conclusive functional and genetic evidence.

Ambry Genetics
Classification: Uncertain significance. Last evaluated: 2022-04-28. Review status: criteria provided, single submitter. Criteria: Ambry Variant Classification Scheme 2023. Collection method: clinical testing. Allele origin: germline.

NM_022835.3(PLEKHG2):c.3005C>T (p.Thr1002Ile)

Gene: PLEKHG2 (pleckstrin homology and RhoGEF domain containing G2; plus strand). Cytogenetic location: 19q13.2.
Variant type: single nucleotide variant.
Coding change: c.3005C>T on transcript NM_022835.3 (MANE Select); coding-DNA position 3005, C replaced by T.
Protein change: p.Thr1002Ile; replaces threonine 1002 with isoleucine.
Molecular consequence: missense variant. On other transcripts: intron variant (1).
Genome position (GRCh38, 1-based): chr19:39,424,138, C>T. VCF-style: chr19-39424138-C-T. GRCh37 (hg19) VCF-style: chr19-39914778-C-T.
Other names: c.2828C>T, p.Thr943Ile (NM_001351693.2); c.1678-1100C>T (NM_001351694.2); short protein forms T1002I, T943I.
Identifiers: ClinVar variation 2322067 (VCV002322067.3), dbSNP rs146014974, ClinGen allele CA9429909.